The following is an entry in ClinVar:

NM_000245.4(MET):c.3442C>T (p.Arg1148Ter)

Gene: MET (MET proto-oncogene, receptor tyrosine kinase; plus strand). Cytogenetic location: 7q31.2.
Variant type: single nucleotide variant.
Coding change: c.3442C>T on transcript NM_000245.4 (MANE Select); coding-DNA position 3442, C replaced by T.
Protein change: p.Arg1148Ter; replaces arginine 1148 with a stop codon.
Molecular consequence: nonsense.
Genome position (GRCh38, 1-based): chr7:116,778,877, C>T. VCF-style: chr7-116778877-C-T. GRCh37 (hg19) VCF-style: chr7-116418931-C-T.
Other names: c.2152C>T, p.Arg718Ter (NM_001324402.2); c.3496C>T (LRG_662t1); c.3496C>T, p.Arg1166Ter (NM_001127500.3); short protein forms R1166*, R1148*, R718*.
Identifiers: ClinVar variation 246639 (VCV000246639.11), dbSNP rs879254336, ClinGen allele CA10584666.

ClinVar aggregate classification (germline): Uncertain significance. Review status: criteria provided, multiple submitters, no conflicts (2 of 4 stars). 2 submissions from 2 submitters: Uncertain significance (2). Last evaluated 2025-10-14.

Conditions:
Renal cell carcinoma. Identifiers: Orphanet 217071, MedGen C0007134, MeSH D002292, MONDO:0005086, HP:0005584.
Hereditary cancer-predisposing syndrome. Also called: Hereditary neoplastic syndrome; Neoplastic Syndromes, Hereditary; Tumor predisposition; Hereditary Cancer Syndrome. Identifiers: Orphanet 140162, MedGen C0027672, MeSH D009386, MONDO:0015356.

gnomAD v4.1: 1 of 1,614,004 alleles (0.000062%); highest among the groups gnomAD compares: Non-Finnish European, 0.000085%; no homozygotes.

Submissions (2):

Labcorp Genetics (formerly Invitae), Labcorp
Classification: Uncertain significance for Renal cell carcinoma. Last evaluated: 2025-10-14. Review status: criteria provided, single submitter. Criteria: Invitae Variant Classification Sherloc (09022015). Collection method: clinical testing. Allele origin: germline.
Comment: This sequence change creates a premature translational stop signal (p.Arg1166*) in the MET gene. It is expected to result in an absent or disrupted protein product. However, the current clinical and genetic evidence is not sufficient to establish whether loss-of-function variants in MET cause disease. This variant is not present in population databases (gnomAD no frequency). This variant has not been reported in the literature in individuals affected with MET-related conditions. ClinVar contains an entry for this variant (Variation ID: 246639). Algorithms developed to predict the effect of sequence changes on RNA splicing suggest that this variant may disrupt the consensus splice site. In summary, the available evidence is currently insufficient to determine the role of this variant in disease. Therefore, it has been classified as a Variant of Uncertain Significance.

Ambry Genetics
Classification: Uncertain significance for Hereditary cancer-predisposing syndrome. Last evaluated: 2015-08-31. Review status: criteria provided, single submitter. Criteria: Ambry Variant Classification Scheme 2023. Collection method: clinical testing. Allele origin: germline.
Comment: The p.R1166* variant (also known as c.3496C>T), located in coding exon 16 of the MET gene, results from a C to T substitution at nucleotide position 3496. This changes the amino acid from an arginine to a stop codon within coding exon 16. While premature stop codons are typically deleterious in nature for tumor suppressor genes, the MET gene is a well described proto-oncogene and the cancer related phenotype is conventionally due to activating mutations. This variant was not reported in population based cohorts in the following databases: Database of Single Nucleotide Polymorphisms (dbSNP), NHLBI Exome Sequencing Project (ESP), and 1000 Genomes Project. In the ESP, this variant was not observed in 6050 samples (12100 alleles) with coverage at this position. To date, this alteration has been detected with an allele frequency of approximately 0.02% (greater than 4500 alleles tested) in our clinical cohort. Since supporting evidence is limited at this time, the clinical significance of p.R1166* remains unclear.

Literature cited by the submitters: PubMed 22717761 (cited by Ambry Genetics).